The following is an entry in ClinVar:

ClinVar aggregate classification (germline): Uncertain significance (1 of 4 stars; one submission).

Conditions:
Neurodevelopmental disorder with visual defects and brain anomalies. Identifiers: MedGen C5231404, MONDO:0032807, OMIM 618547.

Submission:

New York Genome Center
Classification: Uncertain significance for Neurodevelopmental disorder with visual defects and brain anomalies. Last evaluated: 2020-09-23. Review status: criteria provided, single submitter. Criteria: NYGC Assertion Criteria 2020. Collection method: clinical testing. Allele origin: de novo. Observed: 1 heterozygote. Study: CSER-NYCKidSeq.
Comment: The de novo c.191-5115A>T variant identified in the HK1 gene is a deep intronic variant within intron 6/21. This nucleotide is conserved, and is absent from gnomAD(v3.0) suggesting it is not a common benign variant in the populations represented in that database. The Transcript inferred Pathogenicity Score (TraP) for this variant is 0.46, which is >99% score-percentile suggesting it is probably damaging to the function of the canonical transcript, however SpliceAI does not predict an alteration to splicing. This variant is absent from ClinVar and to our current knowledge has not been reported in affected individuals in the literature. Given the lack of compelling evidence for its pathogenicity, the de novoc.191-5115A>T variant identified in the HK1 gene is reported as a Variant of Uncertain Significance.

NM_000188.3(HK1):c.227-5115A>T

Gene: HK1 (hexokinase 1; plus strand). Cytogenetic location: 10q22.1.
Variant type: single nucleotide variant.
Coding change: c.227-5115A>T on transcript NM_000188.3 (MANE Select); 5115 bases into the intron before coding-DNA position 227, A replaced by T.
Molecular consequence: intron variant.
Genome position (GRCh38, 1-based): chr10:69,354,782, A>T. VCF-style: chr10-69354782-A-T. GRCh37 (hg19) VCF-style: chr10-71114538-A-T.
Other names: c.191-5115A>T (NM_033500.2); c.332-5115A>T (NM_001322365.2); c.239-5115A>T (NM_033498.3, NM_033497.3, NM_001322364.2 and 1 more transcripts); c.224-5115A>T (NM_033496.3); c.143-5115A>T (NM_001322366.1); c.227-5115A>T (NM_001322367.1).
Identifiers: ClinVar variation 1213819 (VCV001213819.1), dbSNP rs2132733382, ClinGen allele CA2499220307.